The following is an entry in ClinVar:

NM_000554.6(CRX):c.*527C>T

Gene: CRX (cone-rod homeobox; plus strand). Cytogenetic location: 19q13.33.
Variant type: single nucleotide variant.
Coding change: c.*527C>T on transcript NM_000554.6 (MANE Select); 527 bases downstream of the stop codon, C replaced by T.
Molecular consequence: 3 prime UTR variant.
Genome position (GRCh38, 1-based): chr19:47,840,494, C>T. VCF-style: chr19-47840494-C-T. GRCh37 (hg19) VCF-style: chr19-48343751-C-T.
Identifiers: ClinVar variation 329712 (VCV000329712.5), dbSNP rs371749408, ClinGen allele CA10652628.
Genomic context (GRCh38, chr19:47,840,494, plus strand): 5'-CTCTGTCGCCCAGGCTGGAGTGCAGTGGCACGATCTCAGCTCACTGCAAGCTCTACCTCC[C>T]GGGTTCACGCCATTCTCCTGCCTCAGCCTCCCGAGTAGCTGGGACTACAGATGCCCACCA-3'

ClinVar aggregate classification (germline): Benign/Likely benign. Review status: criteria provided, single submitter (1 of 4 stars). 3 submissions from 1 submitter: Benign (1); Likely benign (2). Last evaluated 2018-01-13.

Conditions:
Leber congenital amaurosis 7 (LCA7). Identifiers: Orphanet 65, MedGen C3151192, MONDO:0013449, OMIM 613829.
Retinitis pigmentosa (RP). Identifiers: Orphanet 791, MedGen C0035334, MeSH D012174, MONDO:0019200, OMIM 268000. Inheritance: Autosomal dominant, autosomal recessive and X linked inheritance.
Cone-rod dystrophy 2 (CORD2). Also called: CONE-ROD RETINAL DYSTROPHY; Cone-rod retinal dystrophy 2. Identifiers: Orphanet 1872, MedGen C3489532, MONDO:0007362, OMIM 120970.

Allele frequency attached by ClinVar (database versions not stated): TOPMed 0.00036; gnomAD 0.00039 and 0.00030; 1000 Genomes Project 0.00200; 1000 Genomes Project 30x 0.00219.

Submissions (3):

Illumina Laboratory Services, Illumina
Classification: Likely benign for Retinitis pigmentosa. Last evaluated: 2018-01-13. Review status: criteria provided, single submitter. Criteria: ICSL Variant Classification Criteria 13 December 2019. Collection method: clinical testing. Allele origin: germline.
Comment: This variant was observed in the ICSL laboratory as part of a predisposition screen in an ostensibly healthy population. It had not been previously curated by ICSL or reported in the Human Gene Mutation Database (HGMD: prior to June 1st, 2018), and was therefore a candidate for classification through an automated scoring system. Utilizing variant allele frequency, disease prevalence and penetrance estimates, and inheritance mode, an automated score was calculated to assess if this variant is too frequent to cause the disease. Based on the score and internal cut-off values, a variant classified as likely benign is not then subjected to further curation. The score for this variant resulted in a classification of likely benign for this disease.

Illumina Laboratory Services, Illumina
Classification: Likely benign for Leber congenital amaurosis 7. Last evaluated: 2018-01-13. Review status: criteria provided, single submitter. Criteria: ICSL Variant Classification Criteria 13 December 2019. Collection method: clinical testing. Allele origin: germline.
Comment: the same text as in the submission from Illumina Laboratory Services, Illumina above.

Illumina Laboratory Services, Illumina
Classification: Benign for Cone-rod dystrophy 2. Last evaluated: 2018-01-13. Review status: criteria provided, single submitter. Criteria: ICSL Variant Classification Criteria 13 December 2019. Collection method: clinical testing. Allele origin: germline.
Comment: This variant was observed in the ICSL laboratory as part of a predisposition screen in an ostensibly healthy population. It had not been previously curated by ICSL or reported in the Human Gene Mutation Database (HGMD: prior to June 1st, 2018), and was therefore a candidate for classification through an automated scoring system. Utilizing variant allele frequency, disease prevalence and penetrance estimates, and inheritance mode, an automated score was calculated to assess if this variant is too frequent to cause the disease. Based on the score and internal cut-off values, a variant classified as benign is not then subjected to further curation. The score for this variant resulted in a classification of benign for this disease.